The following is an entry in ClinVar:

NM_001317778.2(SFTPC):c.380C>G (p.Ala127Gly)

Gene: SFTPC (surfactant protein C; plus strand). Cytogenetic location: 8p21.3.
Variant type: single nucleotide variant.
Coding change: c.380C>G on transcript NM_001317778.2 (MANE Select); coding-DNA position 380, C replaced by G.
Protein change: p.Ala127Gly; replaces alanine 127 with glycine.
Molecular consequence: missense variant.
Genome position (GRCh38, 1-based): chr8:22,163,491, C>G. VCF-style: chr8-22163491-C-G. GRCh37 (hg19) VCF-style: chr8-22021004-C-G.
Other names: c.380C>G, p.Ala127Gly (NM_001172357.2, NM_001172410.2, NM_001317780.2 and 8 more transcripts); c.221C>G, p.Ala74Gly (NM_001317779.2, NM_001385660.1); short protein forms A127G, A74G.
Identifiers: ClinVar variation 1735131 (VCV001735131.2), dbSNP rs1014644341, ClinGen allele CA173483622.

ClinVar aggregate classification (germline): Uncertain significance (1 of 4 stars; one submission).

Conditions:
Hereditary pulmonary alveolar proteinosis. Also called: Pulmonary surfactant metabolism dysfunction. Identifiers: Orphanet 264675, MedGen C3711368, MONDO:0012580.

Allele frequency attached by ClinVar (database versions not stated): TOPMed 0.00002.
gnomAD v4.1: 1 of 1,614,064 alleles (0.000062%); highest among the groups gnomAD compares: Admixed American, 0.0017%; no homozygotes.

Submission:

Ambry Genetics
Classification: Uncertain significance for Hereditary pulmonary alveolar proteinosis. Last evaluated: 2022-06-02. Review status: criteria provided, single submitter. Criteria: Ambry Variant Classification Scheme 2023. Collection method: clinical testing. Allele origin: germline.
Comment: The p.A127G variant (also known as c.380C>G), located in coding exon 4 of the SFTPC gene, results from a C to G substitution at nucleotide position 380. The alanine at codon 127 is replaced by glycine, an amino acid with similar properties. This amino acid position is conserved. In addition, this alteration is predicted to be tolerated by in silico analysis. Since supporting evidence is limited at this time, the clinical significance of this alteration remains unclear.